The following is an entry in ClinVar:

NM_001035.3(RYR2):c.9522T>A (p.His3174Gln)

Gene: RYR2 (ryanodine receptor 2; plus strand). Cytogenetic location: 1q43.
Variant type: single nucleotide variant.
Coding change: c.9522T>A on transcript NM_001035.3 (MANE Select); coding-DNA position 9522, T replaced by A.
Protein change: p.His3174Gln; replaces histidine 3174 with glutamine.
Molecular consequence: missense variant.
Genome position (GRCh38, 1-based): chr1:237,705,285, T>A. VCF-style: chr1-237705285-T-A. GRCh37 (hg19) VCF-style: chr1-237868585-T-A.
Other names: short protein forms H3174Q.
Identifiers: ClinVar variation 2178325 (VCV002178325.5), dbSNP rs776330796, ClinGen allele CA087911.

ClinVar aggregate classification (germline): Conflicting classifications of pathogenicity. Review status: criteria provided, conflicting classifications (1 of 4 stars). 2 submissions from 2 submitters: Uncertain significance (1); Likely benign (1). Last evaluated 2024-04-15.

Conditions:
Catecholaminergic polymorphic ventricular tachycardia 1. Also called: VENTRICULAR TACHYCARDIA, STRESS-INDUCED POLYMORPHIC 1; VENTRICULAR TACHYCARDIA, CATECHOLAMINERGIC POLYMORPHIC, 1, WITH OR WITHOUT ATRIAL DYSFUNCTION AND/OR DILATED CARDIOMYOPATHY; RYR2-Related Catecholaminergic Polymorphic Ventricular Tachycardia. Identifiers: Orphanet 3286, MedGen C1631597, MONDO:0011484, OMIM 604772.
Catecholaminergic polymorphic ventricular tachycardia (CVPT). Also called: Catecholamine-induced polymorphic ventricular tachycardia. Identifiers: Orphanet 3286, MedGen C5574922, MONDO:0017990.

Allele frequency attached by ClinVar (database versions not stated): gnomAD exomes below 0.00001; TOPMed below 0.00001; gnomAD 0.00001; ExAC 0.00003.
gnomAD v4.1: 3 of 1,605,072 alleles (0.00019%); highest among the groups gnomAD compares: East Asian, 0.0067%; no homozygotes.

Submissions (2):

Labcorp Genetics (formerly Invitae), Labcorp
Classification: Likely benign for Catecholaminergic polymorphic ventricular tachycardia 1. Last evaluated: 2024-04-15. Review status: criteria provided, single submitter. Criteria: Invitae Variant Classification Sherloc (09022015). Collection method: clinical testing. Allele origin: germline.

All of Us Research Program, National Institutes of Health
Classification: Uncertain significance for Catecholaminergic polymorphic ventricular tachycardia. Last evaluated: 2024-01-05. Review status: criteria provided, single submitter. Criteria: ACMG Guidelines, 2015. Collection method: clinical testing. Allele origin: germline. Inheritance: Autosomal dominant inheritance. Observed: 1 variant allele, 1 heterozygote.
Comment: This study involves interpretation of variants in research participants for the purpose of population health screening. Participant phenotype was not available at the time of variant classification. Additional details can be found in publication PMID: 35346344, PMCID: PMC8962531